The following is an entry in ClinVar:

NM_000368.5(TSC1):c.1472C>T (p.Thr491Ile)

Gene: TSC1 (TSC complex subunit 1; minus strand). Cytogenetic location: 9q34.13.
Variant type: single nucleotide variant.
Coding change: c.1472C>T on transcript NM_000368.5 (MANE Select); coding-DNA position 1472, C replaced by T.
Protein change: p.Thr491Ile; replaces threonine 491 with isoleucine.
Molecular consequence: missense variant.
Genome position (GRCh38, 1-based): chr9:132,906,106, G>A on the plus strand (C>T on the coding strand, the complement: TSC1 is on the minus strand). VCF-style: chr9-132906106-G-A. GRCh37 (hg19) VCF-style: chr9-135781493-G-A.
Other names: c.1469C>T, p.Thr490Ile (NM_001162426.2); c.1319C>T, p.Thr440Ile (NM_001162427.2); c.1109C>T, p.Thr370Ile (NM_001362177.2); short protein forms T491I, T440I, T490I, T370I.
Identifiers: ClinVar variation 466029 (VCV000466029.9), dbSNP rs1554816070, ClinGen allele CA375365481.

ClinVar aggregate classification (germline): Uncertain significance. Review status: criteria provided, multiple submitters, no conflicts (2 of 4 stars). 2 submissions from 2 submitters: Uncertain significance (2). Last evaluated 2025-06-09.

Conditions:
Tuberous sclerosis syndrome (TSC). Also called: Tuberous Sclerosis Complex; Tuberous sclerosis. Identifiers: Orphanet 805, MedGen C0041341, MONDO:0001734.
Tuberous sclerosis 1 (TSC1). Identifiers: Orphanet 805, MedGen C1854465, MONDO:0008612, OMIM 191100.

Submissions (2):

Color Diagnostics, LLC DBA Color Health
Classification: Uncertain significance for Tuberous sclerosis syndrome. Last evaluated: 2025-06-09. Review status: criteria provided, single submitter. Criteria: ACMG Guidelines, 2015. Collection method: clinical testing. Allele origin: germline.
Comment: This missense variant replaces threonine with isoleucine at codon 491 of the TSC1 protein. Computational prediction suggests that this variant may not impact protein structure and function. To our knowledge, functional studies have not been reported for this variant. This variant has not been reported in individuals affected with TSC1-related disorders in the literature. This variant has not been identified in the general population by the Genome Aggregation Database (gnomAD). The available evidence is insufficient to determine the role of this variant in disease conclusively. Therefore, this variant is classified as a Variant of Uncertain Significance.

Labcorp Genetics (formerly Invitae), Labcorp
Classification: Uncertain significance for Tuberous sclerosis 1. Last evaluated: 2025-03-25. Review status: criteria provided, single submitter. Criteria: Invitae Variant Classification Sherloc (09022015). Collection method: clinical testing. Allele origin: germline.
Comment: This sequence change replaces threonine, which is neutral and polar, with isoleucine, which is neutral and non-polar, at codon 491 of the TSC1 protein (p.Thr491Ile). This variant is not present in population databases (gnomAD no frequency). This variant has not been reported in the literature in individuals affected with TSC1-related conditions. ClinVar contains an entry for this variant (Variation ID: 466029). Invitae Evidence Modeling of protein sequence and biophysical properties (such as structural, functional, and spatial information, amino acid conservation, physicochemical variation, residue mobility, and thermodynamic stability) indicates that this missense variant is not expected to disrupt TSC1 protein function with a negative predictive value of 95%. In summary, the available evidence is currently insufficient to determine the role of this variant in disease. Therefore, it has been classified as a Variant of Uncertain Significance.